The following is an entry in ClinVar:

ClinVar aggregate classification (germline): Uncertain significance (0 of 4 stars; one submission).

Conditions:
TMPO-related disorder. Also called: TMPO-related condition.

Submission:

PreventionGenetics, part of Exact Sciences
Classification: Uncertain significance for TMPO-related condition. Last evaluated: 2024-07-13. Review status: no assertion criteria provided. Collection method: clinical testing. Allele origin: germline.
Comment: The TMPO c.86C>T variant is predicted to result in the amino acid substitution p.Ala29Val. To our knowledge, this variant has not been reported in the literature or in a large population database, indicating this variant is rare. At this time, the clinical significance of this variant is uncertain due to the absence of conclusive functional and genetic evidence.

NM_001032283.3(TMPO):c.86C>T (p.Ala29Val)

Genes: TMPO (thymopoietin; plus strand), TMPO-AS1 (TMPO antisense RNA 1; minus strand). Cytogenetic location: 12q23.1.
Variant type: single nucleotide variant.
Coding change: c.86C>T on transcript NM_001032283.3 (MANE Select); coding-DNA position 86, C replaced by T.
Protein change: p.Ala29Val; replaces alanine 29 with valine.
Molecular consequence: missense variant.
Genome position (GRCh38, 1-based): chr12:98,515,953, C>T. VCF-style: chr12-98515953-C-T. GRCh37 (hg19) VCF-style: chr12-98909731-C-T.
Other names: c.86C>T, p.Ala29Val (NM_001032284.3, NM_001307975.2, NM_003276.2); short protein forms A29V.
Identifiers: ClinVar variation 3358074 (VCV003358074.1).
Genomic context (GRCh38, chr12:98,515,953, plus strand): 5'-CGGTCCTGACAAAAGACAAGTTGAAGAGTGAGTTGGTCGCCAACAATGTGACGCTGCCGG[C>T]CGGGGAGCAGCGCAAAGACGTGTACGTCCAGCTCTACCTGCAGCACCTCACGGCTCGCAA-3'
Protein context (NP_001027454.1, residues 19-39): ELVANNVTLP[Ala29Val]GEQRKDVYVQ